The following is an entry in ClinVar:

ClinVar aggregate classification (germline): Uncertain significance. Review status: criteria provided, multiple submitters, no conflicts (2 of 4 stars). 2 submissions from 2 submitters: Uncertain significance (2). Last evaluated 2024-11-01.

Conditions:
Neuropathy, hereditary sensory and autonomic, type 2A (HSAN2A). Also called: HSAN IIA; ACROOSTEOLYSIS, GIACCAI TYPE; ACROOSTEOLYSIS, NEUROGENIC; MORVAN DISEASE; NEUROPATHY, CONGENITAL SENSORY; NEUROPATHY, HEREDITARY SENSORY RADICULAR, AUTOSOMAL RECESSIVE. Identifiers: Orphanet 970, MedGen C2752089, MONDO:0024309, OMIM 201300.
Pseudohypoaldosteronism type 2C (PHA2C). Also called: Pseudohypoaldosteronism Type IIC. Identifiers: Orphanet 757, Orphanet 88940, MedGen C1840391, MONDO:0013778, OMIM 614492.

Allele frequency attached by ClinVar (database versions not stated): gnomAD 0.00001; gnomAD exomes 0.00001; TOPMed 0.00001.
gnomAD v4.1: 14 of 1,609,440 alleles (0.00087%); highest among the groups gnomAD compares: African/African-American, 0.0013%; no homozygotes.

Submissions (2):

CeGaT Center for Human Genetics Tuebingen
Classification: Uncertain significance. Last evaluated: 2024-11-01. Review status: criteria provided, single submitter. Criteria: CeGaT Center For Human Genetics Tuebingen Variant Classification Criteria Version 2. Collection method: clinical testing. Allele origin: germline. Affected: yes. Observed: 1 variant allele.
Comment: WNK1: PM2

Labcorp Genetics (formerly Invitae), Labcorp
Classification: Uncertain significance for Neuropathy, hereditary sensory and autonomic, type 2A; Pseudohypoaldosteronism type 2C. Last evaluated: 2021-07-22. Review status: criteria provided, single submitter. Criteria: Invitae Variant Classification Sherloc (09022015). Collection method: clinical testing. Allele origin: germline.
Comment: In summary, the available evidence is currently insufficient to determine the role of this variant in disease. Therefore, it has been classified as a Variant of Uncertain Significance. Advanced modeling of protein sequence and biophysical properties (such as structural, functional, and spatial information, amino acid conservation, physicochemical variation, residue mobility, and thermodynamic stability) performed at Invitae indicates that this missense variant is not expected to disrupt WNK1 protein function. This variant has not been reported in the literature in individuals affected with WNK1-related conditions. This variant is not present in population databases (ExAC no frequency). This sequence change replaces lysine with glutamic acid at codon 2291 of the WNK1 protein (p.Lys2291Glu). The lysine residue is highly conserved and there is a small physicochemical difference between lysine and glutamic acid.

NM_018979.4(WNK1):c.6115A>G (p.Lys2039Glu)

Gene: WNK1 (WNK lysine deficient protein kinase 1; plus strand). Cytogenetic location: 12p13.33.
Variant type: single nucleotide variant.
Coding change: c.6115A>G on transcript NM_018979.4 (MANE Select); coding-DNA position 6115, A replaced by G.
Protein change: p.Lys2039Glu; replaces lysine 2039 with glutamic acid.
Molecular consequence: missense variant.
Genome position (GRCh38, 1-based): chr12:896,602, A>G. VCF-style: chr12-896602-A-G. GRCh37 (hg19) VCF-style: chr12-1005768-A-G.
Other names: c.6895A>G, p.Lys2299Glu (NM_001184985.2); c.5371A>G, p.Lys1791Glu (NM_014823.3); c.6871A>G, p.Lys2291Glu (NM_213655.5); short protein forms K2291E, K2299E, K2039E, K1791E.
Identifiers: ClinVar variation 1372763 (VCV001372763.22), dbSNP rs1359994702, ClinGen allele CA383336567.